The following is an entry in ClinVar:

NM_000222.3(KIT):c.734C>T (p.Thr245Met)

Gene: KIT (KIT proto-oncogene, receptor tyrosine kinase; plus strand). Cytogenetic location: 4q12.
Variant type: single nucleotide variant.
Coding change: c.734C>T on transcript NM_000222.3 (MANE Select); coding-DNA position 734, C replaced by T.
Protein change: p.Thr245Met; replaces threonine 245 with methionine.
Molecular consequence: missense variant.
Genome position (GRCh38, 1-based): chr4:54,699,744, C>T. VCF-style: chr4-54699744-C-T. GRCh37 (hg19) VCF-style: chr4-55565910-C-T.
Other names: c.734C>T, p.Thr245Met (NM_001093772.2, NM_001385284.1, NM_001385285.1 and 4 more transcripts); short protein forms T245M.
Identifiers: ClinVar variation 458963 (VCV000458963.16), dbSNP rs755508624, ClinGen allele CA2923300.

ClinVar aggregate classification (germline): Conflicting classifications of pathogenicity. Review status: criteria provided, conflicting classifications (1 of 4 stars). 3 submissions from 3 submitters: Uncertain significance (2); Likely benign (1). Last evaluated 2025-10-03.

Conditions:
Gastrointestinal stromal tumor. Also called: Gastrointestinal stroma tumor; Gastrointestinal stromal tumor, somatic. Identifiers: Orphanet 44890, MedGen C0238198, MeSH D046152, MONDO:0011719, OMIM 606764, HP:0100723.
Hereditary cancer-predisposing syndrome. Also called: Tumor predisposition; Hereditary neoplastic syndrome; Neoplastic Syndromes, Hereditary; Hereditary Cancer Syndrome. Identifiers: Orphanet 140162, MedGen C0027672, MeSH D009386, MONDO:0015356.

Allele frequency attached by ClinVar (database versions not stated): gnomAD exomes 0.00001 and 0.00003; ExAC 0.00003.
gnomAD v4.1: 15 of 1,613,760 alleles (0.00093%); highest among the groups gnomAD compares: South Asian, 0.0088%; no homozygotes.

Submissions (3):

Labcorp Genetics (formerly Invitae), Labcorp
Classification: Uncertain significance for Gastrointestinal stromal tumor. Last evaluated: 2025-10-03. Review status: criteria provided, single submitter. Criteria: Invitae Variant Classification Sherloc (09022015). Collection method: clinical testing. Allele origin: germline.
Comment: This sequence change replaces threonine, which is neutral and polar, with methionine, which is neutral and non-polar, at codon 245 of the KIT protein (p.Thr245Met). This variant is present in population databases (rs755508624, gnomAD 0.02%). This variant has not been reported in the literature in individuals affected with KIT-related conditions. ClinVar contains an entry for this variant (Variation ID: 458963). An algorithm developed to predict the effect of missense changes on protein structure and function outputs the following: PolyPhen-2: "Benign". The methionine amino acid residue is found in multiple mammalian species, which suggests that this missense change does not adversely affect protein function. In summary, the available evidence is currently insufficient to determine the role of this variant in disease. Therefore, it has been classified as a Variant of Uncertain Significance.

GeneDx
Classification: Uncertain significance. Last evaluated: 2023-02-13. Review status: criteria provided, single submitter. Criteria: GeneDx Variant Classification Process June 2021. Collection method: clinical testing. Allele origin: germline. Affected: yes.
Comment: In silico analysis supports that this missense variant does not alter protein structure/function; Has not been previously published as pathogenic or benign to our knowledge; This variant is associated with the following publications: (PMID: 32608199)

Ambry Genetics
Classification: Likely benign for Hereditary cancer-predisposing syndrome. Last evaluated: 2019-03-15. Review status: criteria provided, single submitter. Criteria: Ambry Variant Classification Scheme 2023. Collection method: clinical testing. Allele origin: germline.